The following is an entry in ClinVar:

ClinVar aggregate classification (germline): Uncertain significance (1 of 4 stars; one submission).

Conditions:
Ehlers-Danlos syndrome, type 4 (EDSVASC). Also called: Ehlers-Danlos syndrome vascular type; Ehlers Danlos syndrome, ecchymotic type; Ehlers Danlos syndrome, arterial type; Ehlers Danlos syndrome, Sack-Barabas type; Ehlers-Danlos Syndrome Type IV. Identifiers: Orphanet 286, MedGen C0268338, MONDO:0017314, OMIM 130050.

Submission:

All of Us Research Program, National Institutes of Health
Classification: Uncertain significance for Ehlers-Danlos syndrome, type 4. Last evaluated: 2024-02-22. Review status: criteria provided, single submitter. Criteria: ACMG Guidelines, 2015. Collection method: clinical testing. Allele origin: germline. Inheritance: Autosomal dominant inheritance. Observed: 1 variant allele, 1 heterozygote.
Comment: This missense variant replaces isoleucine with threonine at codon 20 of the COL3A1 protein. Computational prediction suggests that this variant may not impact protein structure and function (internally defined REVEL score threshold <= 0.5, PMID: 27666373). To our knowledge, functional studies have not been reported for this variant. This variant has not been reported in individuals affected with COL3A1-related disorders in the literature. This variant has not been identified in the general population by the Genome Aggregation Database (gnomAD). The available evidence is insufficient to determine the role of this variant in disease conclusively. Therefore, this variant is classified as a Variant of Uncertain Significance.

This study involves interpretation of variants in research participants for the purpose of population health screening. Participant phenotype was not available at the time of variant classification. Additional details can be found in publication PMID: 35346344, PMCID: PMC8962531

NM_000090.4(COL3A1):c.59T>C (p.Ile20Thr)

Gene: COL3A1 (collagen type III alpha 1 chain; plus strand). Cytogenetic location: 2q32.2.
Variant type: single nucleotide variant.
Coding change: c.59T>C on transcript NM_000090.4 (MANE Select); coding-DNA position 59, T replaced by C.
Protein change: p.Ile20Thr; replaces isoleucine 20 with threonine.
Molecular consequence: missense variant.
Genome position (GRCh38, 1-based): chr2:188,974,548, T>C. VCF-style: chr2-188974548-T-C. GRCh37 (hg19) VCF-style: chr2-189839274-T-C.
Other names: short protein forms I20T.
Identifiers: ClinVar variation 3386422 (VCV003386422.1).